The following is an entry in ClinVar:

ClinVar aggregate classification (germline): Likely benign (0 of 4 stars; one submission).

Conditions:
ZNF512B-related disorder. Also called: ZNF512B-related condition.

Allele frequency attached by ClinVar (database versions not stated): gnomAD 0.00003; TOPMed 0.00005; gnomAD exomes 0.00006; ESP Exome Variant Server 0.00015; ExAC 0.00024.
gnomAD v4.1: 90 of 1,607,160 alleles (0.0056%); highest among the groups gnomAD compares: Admixed American, 0.042%; no homozygotes.

Submission:

PreventionGenetics, part of Exact Sciences
Classification: Likely benign for ZNF512B-related condition. Last evaluated: 2019-11-21. Review status: no assertion criteria provided. Collection method: clinical testing. Allele origin: germline.
Comment: This variant is classified as likely benign based on ACMG/AMP sequence variant interpretation guidelines (Richards et al. 2015 PMID: 25741868, with internal and published modifications).

NM_020713.3(ZNF512B):c.2112C>T (p.Arg704=)

Gene: ZNF512B (zinc finger protein 512B; minus strand). Cytogenetic location: 20q13.33.
Variant type: single nucleotide variant.
Coding change: c.2112C>T on transcript NM_020713.3 (MANE Select); coding-DNA position 2112, C replaced by T.
Protein change: p.Arg704=; no amino-acid change (arginine 704 retained).
Molecular consequence: synonymous variant.
Genome position (GRCh38, 1-based): chr20:63,962,638, G>A on the plus strand (C>T on the coding strand, the complement: ZNF512B is on the minus strand). VCF-style: chr20-63962638-G-A. GRCh37 (hg19) VCF-style: chr20-62593991-G-A.
Identifiers: ClinVar variation 3048867 (VCV003048867.2), dbSNP rs139546165, ClinGen allele CA9970894.